The following is an entry in ClinVar:

ClinVar aggregate classification (germline): Uncertain significance (1 of 4 stars; one submission).

Conditions:
Lethal congenital contracture syndrome 3. Also called: MULTIPLE CONTRACTURE SYNDROME, ISRAELI BEDOUIN TYPE B. Identifiers: Orphanet 137783, MedGen C1969655, MONDO:0012656, OMIM 611369.

Submission:

Institute of Human Genetics, University of Leipzig Medical Center
Classification: Uncertain significance for Lethal congenital contracture syndrome 3. Last evaluated: 2024-04-23. Review status: criteria provided, single submitter. Criteria: ACMG Guidelines, 2015. Collection method: clinical testing. Allele origin: unknown. Affected: yes.
Comment: Criteria applied: PM3_SUP,PM2

NM_012398.3(PIP5K1C):c.1640_1641insCTCC (p.Arg548fs)

Gene: PIP5K1C (phosphatidylinositol-4-phosphate 5-kinase type 1 gamma; minus strand). Cytogenetic location: 19p13.3.
Variant type: Insertion.
Coding change: c.1640_1641insCTCC on transcript NM_012398.3 (MANE Select); coding-DNA positions 1640 to 1641, CTCC inserted.
Protein change: p.Arg548fs; shifts the reading frame from arginine 548.
Molecular consequence: frameshift variant.
Genome position: GRCh38 VCF-style: chr19-3643251-C-CGGAG. GRCh37 (hg19) VCF-style: chr19-3643249-C-CGGAG.
Other names: c.1640_1641insCTCC, p.Arg548fs (NM_001195733.2, NM_001300849.2); short protein forms R548fs.
Identifiers: ClinVar variation 3359143 (VCV003359143.2).
Genomic context (GRCh38, chr19:3,643,251, plus strand): 5'-CCCCACGCACAGCGGATGCCCCGCCCACATGCACTGCGGATGCCTCGCCCACCTGTACCG[C>CGGAG]GGCTGCTCCGACGTCTCCGAGGGGGACCGCTCAGGAATGGAGAGGGATGTGGATGACAGA-3'